The following is an entry in ClinVar:

ClinVar aggregate classification (germline): Uncertain significance. Review status: criteria provided, multiple submitters, no conflicts (2 of 4 stars). 2 submissions from 2 submitters: Uncertain significance (2). Last evaluated 2022-05-13.

Allele frequency attached by ClinVar (database versions not stated): TOPMed below 0.00001.

Submissions (2):

Labcorp Genetics (formerly Invitae), Labcorp
Classification: Uncertain significance. Last evaluated: 2022-05-13. Review status: criteria provided, single submitter. Criteria: Invitae Variant Classification Sherloc (09022015). Collection method: clinical testing. Allele origin: germline.
Comment: This sequence change replaces aspartic acid, which is acidic and polar, with glutamic acid, which is acidic and polar, at codon 616 of the COL4A1 protein (p.Asp616Glu). In summary, the available evidence is currently insufficient to determine the role of this variant in disease. Therefore, it has been classified as a Variant of Uncertain Significance. Advanced modeling of protein sequence and biophysical properties (such as structural, functional, and spatial information, amino acid conservation, physicochemical variation, residue mobility, and thermodynamic stability) performed at Invitae indicates that this missense variant is not expected to disrupt COL4A1 protein function. This variant has not been reported in the literature in individuals affected with COL4A1-related conditions. This variant is not present in population databases (gnomAD no frequency).

Blueprint Genetics
Classification: Uncertain significance. Last evaluated: 2017-08-16. Review status: criteria provided, single submitter. Criteria: ACMG Guidelines, 2015. Collection method: clinical testing. Allele origin: germline.

NM_001845.6(COL4A1):c.1848C>A (p.Asp616Glu)

Gene: COL4A1 (collagen type IV alpha 1 chain; minus strand). Cytogenetic location: 13q34.
Variant type: single nucleotide variant.
Coding change: c.1848C>A on transcript NM_001845.6 (MANE Select); coding-DNA position 1848, C replaced by A.
Protein change: p.Asp616Glu; replaces aspartic acid 616 with glutamic acid.
Molecular consequence: missense variant.
Genome position (GRCh38, 1-based): chr13:110,186,434, G>T on the plus strand (C>A on the coding strand, the complement: COL4A1 is on the minus strand). VCF-style: chr13-110186434-G-T. GRCh37 (hg19) VCF-style: chr13-110838781-G-T.
Other names: short protein forms D616E.
Identifiers: ClinVar variation 1898438 (VCV001898438.6), dbSNP rs1878407192, ClinGen allele CA388722613.